The following is an entry in ClinVar:

NM_000548.5(TSC2):c.624G>A (p.Arg208=)

Gene: TSC2 (TSC complex subunit 2; plus strand). Cytogenetic location: 16p13.3.
Variant type: single nucleotide variant.
Coding change: c.624G>A on transcript NM_000548.5 (MANE Select); coding-DNA position 624, G replaced by A.
Protein change: p.Arg208=; no amino-acid change (arginine 208 retained).
Molecular consequence: synonymous variant. On other transcripts: 5 prime UTR variant (10), non-coding transcript variant (5).
Genome position (GRCh38, 1-based): chr16:2,056,220, G>A. VCF-style: chr16-2056220-G-A. GRCh37 (hg19) VCF-style: chr16-2106221-G-A.
Other names: c.624G>A, p.Arg208= (NM_001077183.3, NM_001114382.3, NM_001363528.2 and 8 more transcripts); c.513G>A, p.Arg171= (NM_001318827.2, NM_001406670.1, NM_001406678.1); c.477G>A, p.Arg159= (NM_001318829.2, NM_001406675.1, NM_001406676.1 and 1 more transcripts); c.24G>A, p.Arg8= (NM_001318831.2, NM_001406680.1, NM_001406682.1 and 6 more transcripts); c.657G>A, p.Arg219= (NM_001318832.2); c.714G>A, p.Arg238= (NM_001406667.1, NM_001406668.1); c.567G>A, p.Arg189= (NM_001406677.1); c.162G>A, p.Arg54= (NM_001406681.1); and 4 more.
Identifiers: ClinVar variation 2757040 (VCV002757040.5), dbSNP rs2085792359, ClinGen allele CA492956329.
Genomic context (GRCh38, chr16:2,056,220, plus strand): 5'-CAGTGCTGCCGGGACTGAGCTCGGTGCTCCCTGCAGGATGATCTGTCTGCTGTGCGTCCG[G>A]ACCGCGTCCTCTGTGGACATAGAGGTCAGTGCCTCCCCTCCCCAGGGCCGGCCCATTTCA-3'
Protein context (NP_000539.2, residues 198-218): MVQMICLLCV[Arg208=]TASSVDIEVS

ClinVar aggregate classification (germline): Benign/Likely benign. Review status: criteria provided, multiple submitters, no conflicts (2 of 4 stars). 3 submissions from 3 submitters: Benign (1); Likely benign (2). Last evaluated 2025-05-08.

Conditions:
Tuberous sclerosis 2 (TSC2). Identifiers: Orphanet 805, MedGen C1860707, MONDO:0013199, OMIM 613254.
Hereditary cancer-predisposing syndrome. Also called: Neoplastic Syndromes, Hereditary; Tumor predisposition; Hereditary neoplastic syndrome; Hereditary Cancer Syndrome. Identifiers: Orphanet 140162, MedGen C0027672, MeSH D009386, MONDO:0015356.

Submissions (3):

Myriad Genetics, Inc.
Classification: Benign for Tuberous sclerosis 2. Last evaluated: 2025-05-08. Review status: criteria provided, single submitter. Criteria: Myriad Autosomal Dominant, Autosomal Recessive and X-Linked Classification Criteria (2023). Collection method: clinical testing. Allele origin: unknown.
Comment: This variant is considered benign. This variant is a silent/synonymous amino acid change and it is not expected to impact splicing.

Labcorp Genetics (formerly Invitae), Labcorp
Classification: Likely benign for Tuberous sclerosis 2. Last evaluated: 2025-03-17. Review status: criteria provided, single submitter. Criteria: Invitae Variant Classification Sherloc (09022015). Collection method: clinical testing. Allele origin: germline.

Ambry Genetics
Classification: Likely benign for Hereditary cancer-predisposing syndrome. Last evaluated: 2024-03-09. Review status: criteria provided, single submitter. Criteria: Ambry Variant Classification Scheme 2023. Collection method: clinical testing. Allele origin: germline.